The following is an entry in ClinVar:

ClinVar aggregate classification (germline): Uncertain significance. Review status: reviewed by expert panel (3 of 4 stars). 2 submissions from 2 submitters: Uncertain significance (1). 1 of the submissions does not count toward it. Last evaluated 2025-11-19.

Conditions:
CYP1B1-related glaucoma with or without anterior segment dysgenesis. Identifiers: MedGen CN375931, MONDO:0800472.

gnomAD v4.1: 1 of 1,582,722 alleles (0.000063%); highest among the groups gnomAD compares: African/African-American, 0.0013%; no homozygotes.

Submissions (2):

ClinGen Glaucoma Variant Curation Expert Panel
Classification: Uncertain significance for CYP1B1-related glaucoma with or without anterior segment dysgenesis. Last evaluated: 2025-11-19. Review status: reviewed by expert panel. Criteria: ClinGen CYP1B1 ACMG Specifications V1 Approved. Collection method: curation. Allele origin: germline. Inheritance: Autosomal recessive inheritance.
Comment: The c.171G>C variant in CYP1B1 is a missense variant predicted to cause substitution of Tryptophan by Cysteine at amino acid 57 (p.Trp57Cys). This missense variant is located in the hinge region, meeting PM1. The highest minor allele frequency of this variant was in the African/African American genetic ancestry group of gnomAD (v4.1) = 0.00001339 (1 allele out of 74,690), which met the ≤ 0.0005 threshold set for PM2_Supporting in a genetic ancestry group of at least 2,000 alleles. The REVEL score = 0.721, which was within the 0.644-0.772 range for PP3, predicting a damaging effect on CYP1B1 function. PS3_Supporting was not applied as the assays reported did not meet the OddsPath threshold (> 2.1) or the threshold for abnormal impact on protein function in the assay could not be determined (PMID: 27243976). 1 affected segregation with a CYP1B1-related phenotype has been reported (PMID: 9497261), however the phase was not confirmed in trans, therefore PP1 could not be applied. This variant has been identified in an individual with a CYP1B1-related phenotype. This individual is compound heterozygous for the variant and a pathogenic or likely pathogenic variant (phase unknown) (PMID: 9497261). Total proband points = 0.5, meeting PM3_Supporting. In summary, this variant met the criteria to receive a score of 5 and to be classified as a variant of uncertain significance (uncertain significance classification range -1 to 5, adapted from PMID: 32720330) for CYP1B1-related glaucoma with or without anterior segment dysgenesis (ASD) based on the ACMG/AMP criteria met, as specified by the ClinGen Glaucoma VCEP (v1.0, 06.11.2025): PM1, PP3, PM2_Supporting, PM3_Supporting.

Women's Health and Genetics/Laboratory Corporation of America, LabCorp
Classification: Uncertain significance. Last evaluated: 2024-04-22. Review status: criteria provided, single submitter. Criteria: LabCorp Variant Classification Summary - May 2015. Collection method: clinical testing. Allele origin: germline. Not counted in ClinVar's aggregate classification.
Comment: Variant summary: CYP1B1 c.171G>C (p.Trp57Cys) results in a non-conservative amino acid change in the encoded protein sequence. Five of five in-silico tools predict a damaging effect of the variant on protein function. The variant was absent in 201850 control chromosomes. c.171G>C has been reported in the literature in at-least two siblings affected with Primary Congenital Glaucoma (Stoilov_1998), and at a heterozygous status in unspecified individual(s) with open-angle glaucoma (Achary_2006). These data indicate that the variant may be associated with disease. To our knowledge, no experimental evidence demonstrating an impact on protein function has been reported. The following publications have been ascertained in the context of this evaluation (PMID: 16688110, 9497261). No submitters have cited clinical-significance assessments for this variant to ClinVar. Based on the evidence outlined above, the variant was classified as VUS-possibly pathogenic.

Literature cited by the submitters: PubMed 9497261 (cited by Women's Health and Genetics/Laboratory Corporation of America, LabCorp); PubMed 16688110 (cited by Women's Health and Genetics/Laboratory Corporation of America, LabCorp).

NM_000104.4(CYP1B1):c.171G>C (p.Trp57Cys)

Gene: CYP1B1 (cytochrome P450 family 1 subfamily B member 1; minus strand). Cytogenetic location: 2p22.2.
Variant type: single nucleotide variant.
Coding change: c.171G>C on transcript NM_000104.4 (MANE Select); coding-DNA position 171, G replaced by C.
Protein change: p.Trp57Cys; replaces tryptophan 57 with cysteine.
Molecular consequence: missense variant.
Genome position (GRCh38, 1-based): chr2:38,075,218, C>G on the plus strand (G>C on the coding strand, the complement: CYP1B1 is on the minus strand). VCF-style: chr2-38075218-C-G. GRCh37 (hg19) VCF-style: chr2-38302361-C-G.
Other names: short protein forms W57C.
Identifiers: ClinVar variation 3251815 (VCV003251815.1), dbSNP rs72549387.
Genomic context (GRCh38, chr2:38,075,218, plus strand): 5'-CAGGCGAGCGAACGAGAGGTGAGCCGCCTGGCCCACCGCCGCCGCGTTTCCGATCAGTGG[C>G]CACGCAAACGGGCCCGGGGGCGCGGACCGGAGCTGCCGCCTCCGTTGCCTCAGCAGCCGC-3'
Protein context (NP_000095.2, residues 47-67): LRSAPPGPFA[Trp57Cys]PLIGNAAAVG